The following is an entry in ClinVar:

NM_153026.3(PRICKLE1):c.668C>T (p.Thr223Met)

Gene: PRICKLE1 (prickle planar cell polarity protein 1; minus strand). Cytogenetic location: 12q12.
Variant type: single nucleotide variant.
Coding change: c.668C>T on transcript NM_153026.3 (MANE Select); coding-DNA position 668, C replaced by T.
Protein change: p.Thr223Met; replaces threonine 223 with methionine.
Molecular consequence: missense variant.
Genome position (GRCh38, 1-based): chr12:42,466,301, G>A on the plus strand (C>T on the coding strand, the complement: PRICKLE1 is on the minus strand). VCF-style: chr12-42466301-G-A. GRCh37 (hg19) VCF-style: chr12-42860103-G-A.
Other names: c.668C>T, p.Thr223Met (NM_001144881.2, NM_001144882.2, NM_001144883.2); short protein forms T223M.
Identifiers: ClinVar variation 537242 (VCV000537242.10), dbSNP rs754218148, ClinGen allele CA6519865.

ClinVar aggregate classification (germline): Uncertain significance. Review status: criteria provided, multiple submitters, no conflicts (2 of 4 stars). 3 submissions from 3 submitters: Uncertain significance (3). Last evaluated 2024-03-03.

Conditions:
Epilepsy, progressive myoclonic, 1B. Also called: PME. Identifiers: Orphanet 308, MedGen C2676254, MONDO:0012904, OMIM 612437.

Allele frequency attached by ClinVar (database versions not stated): gnomAD 0.00001; gnomAD exomes 0.00001 and 0.00002; TOPMed 0.00001; ExAC 0.00003.
gnomAD v4.1: 12 of 1,614,054 alleles (0.00074%); highest among the groups gnomAD compares: Middle Eastern, 0.016%; no homozygotes.

Submissions (3):

Blueprint Genetics
Classification: Uncertain significance. Last evaluated: 2024-03-03. Review status: criteria provided, single submitter. Criteria: ACMG Guidelines, 2015. Collection method: clinical testing. Allele origin: germline.

Labcorp Genetics (formerly Invitae), Labcorp
Classification: Uncertain significance for Epilepsy, progressive myoclonic, 1B. Last evaluated: 2021-08-31. Review status: criteria provided, single submitter. Criteria: Invitae Variant Classification Sherloc (09022015). Collection method: clinical testing. Allele origin: germline.
Comment: This sequence change replaces threonine with methionine at codon 223 of the PRICKLE1 protein (p.Thr223Met). The threonine residue is highly conserved and there is a moderate physicochemical difference between threonine and methionine. This variant is present in population databases (rs754218148, ExAC 0.02%). This variant has not been reported in the literature in individuals affected with PRICKLE1-related conditions. Algorithms developed to predict the effect of missense changes on protein structure and function output the following: SIFT: "Deleterious"; PolyPhen-2: "Benign"; Align-GVGD: "Class C15". The methionine amino acid residue is found in multiple mammalian species, which suggests that this missense change does not adversely affect protein function. In summary, the available evidence is currently insufficient to determine the role of this variant in disease. Therefore, it has been classified as a Variant of Uncertain Significance.

Athena Diagnostics
Classification: Uncertain significance. Last evaluated: 2018-03-07. Review status: criteria provided, single submitter. Criteria: Athena Diagnostics Criteria. Collection method: clinical testing. Allele origin: germline.